The following is an entry in ClinVar:

ClinVar aggregate classification (germline): Likely benign (1 of 4 stars; one submission).

Allele frequency attached by ClinVar (database versions not stated): ExAC 0.00065; 1000 Genomes Project 0.00160; 1000 Genomes Project 30x 0.00172; gnomAD 0.00181; TOPMed 0.00209; ESP Exome Variant Server 0.00215.

Submission:

CeGaT Center for Human Genetics Tuebingen
Classification: Likely benign. Last evaluated: 2023-09-01. Review status: criteria provided, single submitter. Criteria: CeGaT Center For Human Genetics Tuebingen Variant Classification Criteria Version 2. Collection method: clinical testing. Allele origin: germline. Affected: yes. Observed: 1 variant allele.
Comment: KLHL17: BP4, BP7

NM_198317.3(KLHL17):c.1473C>T (p.Tyr491=)

Gene: KLHL17 (kelch like family member 17; plus strand). Cytogenetic location: 1p36.33.
Variant type: single nucleotide variant.
Coding change: c.1473C>T on transcript NM_198317.3 (MANE Select); coding-DNA position 1473, C replaced by T.
Protein change: p.Tyr491=; no amino-acid change (tyrosine 491 retained).
Molecular consequence: synonymous variant.
Genome position (GRCh38, 1-based): chr1:964,135, C>T. VCF-style: chr1-964135-C-T. GRCh37 (hg19) VCF-style: chr1-899515-C-T.
Identifiers: ClinVar variation 2582848 (VCV002582848.25), dbSNP rs150320996, ClinGen allele CA505807.